The following is an entry in ClinVar:

NM_032409.3(PINK1):c.736C>T (p.Arg246Ter)

Gene: PINK1 (PTEN induced kinase 1; plus strand). Cytogenetic location: 1p36.12.
Variant type: single nucleotide variant.
Coding change: c.736C>T on transcript NM_032409.3 (MANE Select); coding-DNA position 736, C replaced by T.
Protein change: p.Arg246Ter; replaces arginine 246 with a stop codon.
Molecular consequence: nonsense.
Genome position (GRCh38, 1-based): chr1:20,639,952, C>T. VCF-style: chr1-20639952-C-T. GRCh37 (hg19) VCF-style: chr1-20966445-C-T.
Other names: short protein forms R246*.
Identifiers: ClinVar variation 2407 (VCV000002407.2), dbSNP rs74315357, ClinGen allele CA252270.

ClinVar aggregate classification (germline): Pathogenic. Review status: criteria provided, single submitter (1 of 4 stars). 2 submissions from 2 submitters: Pathogenic (1). 1 of the submissions does not count toward it. Last evaluated 2018-11-14.

Conditions:
Autosomal recessive early-onset Parkinson disease 6 (PARK6). Also called: PARKINSON DISEASE 6, EARLY-ONSET; PARKINSON DISEASE 6, MODIFIER OF; PINK1-Related Parkinson Disease; PINK1 Type of Young-Onset Parkinson Disease. Identifiers: Orphanet 2828, MedGen C1853833, MONDO:0011613, OMIM 605909.

Allele frequency attached by ClinVar (database versions not stated): TOPMed 0.00002.
gnomAD v4.1: 13 of 1,612,632 alleles (0.00081%); highest among the groups gnomAD compares: Middle Eastern, 0.016%; no homozygotes.

Submissions (2):

Labcorp Genetics (formerly Invitae), Labcorp
Classification: Pathogenic for Parkinson disease 6, autosomal recessive early-onset. Last evaluated: 2018-11-14. Review status: criteria provided, single submitter. Criteria: Invitae Variant Classification Sherloc (09022015). Collection method: clinical testing. Allele origin: germline.
Comment: This sequence change creates a premature translational stop signal (p.Arg246*) in the PINK1 gene. It is expected to result in an absent or disrupted protein product. This variant is present in population databases (rs74315357, ExAC 0.01%). This variant has been observed in several individuals affected withÂ¬â€ early-onset Parkinson's diseaseÂ¬â€ and has also been observed to segregate with disease in affected families (PMID: 15349870,Â¬â€ 28502045).Â¬â€ This variant is also known as del 245 in the literature.Â¬â€ ClinVar contains an entry for this variant (Variation ID: 2407). Experimental studies have shown that this nonsense change impairs the ability of the PINK1 protein to formÂ¬â€ homodimers (PMID:Â¬â€ 19242547). Loss-of-function variants in PINK1 are known to be pathogenic (PMID: 15087508, 15349870). For these reasons, this variant has been classified as Pathogenic.

OMIM
Classification: Pathogenic for PARKINSON DISEASE 6, AUTOSOMAL RECESSIVE EARLY-ONSET. Last evaluated: 2004-09-01. Review status: no assertion criteria provided. Collection method: literature only. Allele origin: germline. Not counted in ClinVar's aggregate classification.

Literature cited by the submitters: PubMed 15349870 (cited by Labcorp Genetics (formerly Invitae), Labcorp and OMIM).